The following is an entry in ClinVar:

ClinVar aggregate classification (germline): Pathogenic. Review status: criteria provided, single submitter (1 of 4 stars). 2 submissions from 2 submitters: Pathogenic (1). 1 of the submissions does not count toward it. Last evaluated 2022-03-31.

Conditions:
Congenital hypothalamic hamartoma syndrome. Also called: PALLISTER-HALL-LIKE SYNDROME. Identifiers: MedGen C5435677, MONDO:0009436, OMIM 241800.

Allele frequency attached by ClinVar (database versions not stated): TOPMed below 0.00001; gnomAD 0.00001; gnomAD exomes 0.00001 and 0.00002; ExAC 0.00002.
gnomAD v4.1: 28 of 1,613,846 alleles (0.0017%); highest among the groups gnomAD compares: Non-Finnish European, 0.0022%; no homozygotes.

Submissions (2):

Victorian Clinical Genetics Services, Murdoch Childrens Research Institute
Classification: Pathogenic for Congenital hypothalamic hamartoma syndrome. Last evaluated: 2022-03-31. Review status: criteria provided, single submitter. Criteria: ACMG Guidelines, 2015. Collection method: clinical testing. Allele origin: germline. Inheritance: Autosomal recessive inheritance. Affected: yes.
Comment: Based on the classification scheme VCGS_Germline_v1.3.4, this variant is classified as Pathogenic. Following criteria are met: 0102 - Loss of function is a known mechanism of disease in this gene and is associated with Pallister-Hall-like syndrome (MIM#241800). (I) 0106 - This gene is associated with autosomal recessive disease. (I) 0200 - Variant is predicted to result in a missense amino acid change from arginine to tryptophan. (I) 0251 - This variant is heterozygous. (I) 0304 - Variant is present in gnomAD (v2) <0.01 for a recessive condition (2 heterozygotes, 0 homozygotes)). (SP) 0309 - An alternative amino acid change at the same position has been observed in gnomAD (v3) (4 heterozygotes, 0 homozygotes). (I) 0501 - Missense variant consistently predicted to be damaging by multiple in silico tools and very highly conserved with a major amino acid change. (SP) 0604 - Variant is not located in an established domain, motif, hotspot or informative constraint region. (I) 0704 - Another missense variant comparable to the one identified in this case has limited previous evidence for pathogenicity. An alternative change to a glutamine has been reported in one compound heterozygous individual with developmental anomalies (PMID: 32413283). (SP) 0803 - This variant has limited previous evidence of pathogenicity in unrelated individuals. This variant has been reported as pathogenic in ClinVar and also observed in both homozygous and compound heterozygous individuals with developmental anomalies (PMID: 32413283). (SP) 1001 - This variant has strong functional evidence supporting abnormal protein function. Functional studies using patient fibroblasts demonstrated the homozygous variant altered SMO trafficking to the primary cilium (PMID: 32413283). (SP) 1208 - Inheritance information for this variant is not currently available in this individual. (I) Legend: (SP) - Supporting pathogenic, (I) - Information, (SB) - Supporting benign

OMIM
Classification: Pathogenic for PALLISTER-HALL-LIKE SYNDROME. Last evaluated: 2020-08-07. Review status: no assertion criteria provided. Collection method: literature only. Allele origin: germline. Not counted in ClinVar's aggregate classification.

Literature cited by the submitters: PubMed 32413283 (cited by Victorian Clinical Genetics Services, Murdoch Childrens Research Institute and OMIM).

NM_005631.5(SMO):c.1726C>T (p.Arg576Trp)

Gene: SMO (smoothened, frizzled class receptor; plus strand). Cytogenetic location: 7q32.1.
Variant type: single nucleotide variant.
Coding change: c.1726C>T on transcript NM_005631.5 (MANE Select); coding-DNA position 1726, C replaced by T.
Protein change: p.Arg576Trp; replaces arginine 576 with tryptophan.
Molecular consequence: missense variant.
Genome position (GRCh38, 1-based): chr7:129,211,038, C>T. VCF-style: chr7-129211038-C-T. GRCh37 (hg19) VCF-style: chr7-128850879-C-T.
Other names: short protein forms R576W.
Identifiers: ClinVar variation 975036 (VCV000975036.2), dbSNP rs767688088, ClinGen allele CA4479471.